The following is an entry in ClinVar:

ClinVar aggregate classification (germline): Conflicting classifications of pathogenicity. Review status: criteria provided, conflicting classifications (1 of 4 stars). 2 submissions from 2 submitters: Uncertain significance (1); Likely benign (1). Last evaluated 2023-03-23.

Conditions:
Hereditary cancer-predisposing syndrome. Also called: Neoplastic Syndromes, Hereditary; Tumor predisposition; Hereditary Cancer Syndrome; Hereditary neoplastic syndrome. Identifiers: Orphanet 140162, MedGen C0027672, MeSH D009386, MONDO:0015356.

Submissions (2):

University of Washington Department of Laboratory Medicine, University of Washington
Classification: Likely benign for Hereditary cancer-predisposing syndrome. Last evaluated: 2023-03-23. Review status: criteria provided, single submitter. Criteria: Dines et al. (Genet Med. 2020). Collection method: curation. Allele origin: germline.
Comment: Missense variant in a coldspot region where missense variants are very unlikely to be pathogenic (PMID:31911673).

BRCA2 exon 11 coldspot. Reclassification based on statistical prior probability.

Ambry Genetics
Classification: Uncertain significance for Hereditary cancer-predisposing syndrome. Last evaluated: 2021-11-22. Review status: criteria provided, single submitter. Criteria: Ambry Variant Classification Scheme 2023. Collection method: clinical testing. Allele origin: germline.
Comment: The p.S1008I variant (also known as c.3023G>T), located in coding exon 10 of the BRCA2 gene, results from a G to T substitution at nucleotide position 3023. The serine at codon 1008 is replaced by isoleucine, an amino acid with dissimilar properties. This amino acid position is conserved. In addition, the in silico prediction for this alteration is inconclusive. Since supporting evidence is limited at this time, the clinical significance of this alteration remains unclear.

NM_000059.4(BRCA2):c.3023G>T (p.Ser1008Ile)

Gene: BRCA2 (BRCA2 DNA repair associated; plus strand). Cytogenetic location: 13q13.1.
Variant type: single nucleotide variant.
Coding change: c.3023G>T on transcript NM_000059.4 (MANE Select); coding-DNA position 3023, G replaced by T.
Protein change: p.Ser1008Ile; replaces serine 1008 with isoleucine.
Molecular consequence: missense variant.
Genome position (GRCh38, 1-based): chr13:32,337,378, G>T. VCF-style: chr13-32337378-G-T. GRCh37 (hg19) VCF-style: chr13-32911515-G-T.
Other names: c.3023G>T, p.Ser1008Ile (NM_001406719.1, NM_001406720.1); short protein forms S1008I.
Identifiers: ClinVar variation 1798945 (VCV001798945.4), dbSNP rs2137492325, ClinGen allele CA387774868.